The following is an entry in ClinVar:

ClinVar aggregate classification (germline): Uncertain significance (1 of 4 stars; one submission).

gnomAD v4.1: 1 of 1,613,726 alleles (0.000062%); highest among the groups gnomAD compares: Non-Finnish European, 0.000085%; no homozygotes.

Submission:

Ambry Genetics
Classification: Uncertain significance. Last evaluated: 2024-06-30. Review status: criteria provided, single submitter. Criteria: Ambry Variant Classification Scheme 2023. Collection method: clinical testing. Allele origin: germline.
Comment: The p.D958G variant (also known as c.2873A>G), located in coding exon 18 of the MYOM1 gene, results from an A to G substitution at nucleotide position 2873. The aspartic acid at codon 958 is replaced by glycine, an amino acid with similar properties. This amino acid position is conserved. In addition, this alteration is predicted to be tolerated by in silico analysis. Based on the available evidence, the clinical significance of this variant remains unclear.

NM_003803.4(MYOM1):c.2873A>G (p.Asp958Gly)

Gene: MYOM1 (myomesin 1; minus strand). Cytogenetic location: 18p11.31.
Variant type: single nucleotide variant.
Coding change: c.2873A>G on transcript NM_003803.4 (MANE Select); coding-DNA position 2873, A replaced by G.
Protein change: p.Asp958Gly; replaces aspartic acid 958 with glycine.
Molecular consequence: missense variant.
Genome position (GRCh38, 1-based): chr18:3,126,819, T>C on the plus strand (A>G on the coding strand, the complement: MYOM1 is on the minus strand). VCF-style: chr18-3126819-T-C. GRCh37 (hg19) VCF-style: chr18-3126817-T-C.
Other names: c.2585A>G, p.Asp862Gly (NM_019856.2); short protein forms D958G, D862G.
Identifiers: ClinVar variation 3298052 (VCV003298052.2).